The following is an entry in ClinVar:

NM_020937.4(FANCM):c.2466T>A (p.Asn822Lys)

Gene: FANCM (FA complementation group M; plus strand). Cytogenetic location: 14q21.2.
Variant type: single nucleotide variant.
Coding change: c.2466T>A on transcript NM_020937.4 (MANE Select); coding-DNA position 2466, T replaced by A.
Protein change: p.Asn822Lys; replaces asparagine 822 with lysine.
Molecular consequence: missense variant.
Genome position (GRCh38, 1-based): chr14:45,175,220, T>A. VCF-style: chr14-45175220-T-A. GRCh37 (hg19) VCF-style: chr14-45644423-T-A.
Other names: c.2388T>A, p.Asn796Lys (NM_001308133.2); short protein forms N822K, N796K.
Identifiers: ClinVar variation 4254649 (VCV004254649.1).

ClinVar aggregate classification (germline): Uncertain significance (1 of 4 stars; one submission).

Conditions:
Inborn genetic diseases. Identifiers: MedGen C0950123, MeSH D030342.

gnomAD v4.1: 10 of 1,612,038 alleles (0.00062%); highest among the groups gnomAD compares: South Asian, 0.011%; no homozygotes.

Submission:

Ambry Genetics
Classification: Uncertain significance for Inborn genetic diseases. Last evaluated: 2025-08-02. Review status: criteria provided, single submitter. Criteria: Ambry Variant Classification Scheme 2023. Collection method: clinical testing. Allele origin: germline.
Comment: The p.N822K variant (also known as c.2466T>A), located in coding exon 14 of the FANCM gene, results from a T to A substitution at nucleotide position 2466. The asparagine at codon 822 is replaced by lysine, an amino acid with similar properties. This amino acid position is conserved. In addition, this alteration is predicted to be tolerated by in silico analysis. Based on the available evidence, the clinical significance of this variant remains unclear.